The following is an entry in ClinVar:

NM_018089.3(ANKZF1):c.157G>A (p.Glu53Lys)

Gene: ANKZF1 (ankyrin repeat and zinc finger peptidyl tRNA hydrolase 1; plus strand). Cytogenetic location: 2q35.
Variant type: single nucleotide variant.
Coding change: c.157G>A on transcript NM_018089.3 (MANE Select); coding-DNA position 157, G replaced by A.
Protein change: p.Glu53Lys; replaces glutamic acid 53 with lysine.
Molecular consequence: missense variant. On other transcripts: intron variant (1).
Genome position (GRCh38, 1-based): chr2:219,231,936, G>A. VCF-style: chr2-219231936-G-A. GRCh37 (hg19) VCF-style: chr2-220096658-G-A.
Other names: c.157G>A, p.Glu53Lys (NM_001042410.2); c.-266-554G>A (NM_001282792.2); short protein forms E53K.
Identifiers: ClinVar variation 2816399 (VCV002816399.3), dbSNP rs767793054, ClinGen allele CA2120663.

ClinVar aggregate classification (germline): Uncertain significance (1 of 4 stars; one submission).

Allele frequency attached by ClinVar (database versions not stated): ExAC 0.00002.
gnomAD v4.1: 8 of 1,613,684 alleles (0.0005%); highest among the groups gnomAD compares: South Asian, 0.0088%; no homozygotes.

Submission:

Labcorp Genetics (formerly Invitae), Labcorp
Classification: Uncertain significance. Last evaluated: 2024-05-21. Review status: criteria provided, single submitter. Criteria: Invitae Variant Classification Sherloc (09022015). Collection method: clinical testing. Allele origin: germline.
Comment: This sequence change replaces glutamic acid, which is acidic and polar, with lysine, which is basic and polar, at codon 53 of the ANKZF1 protein (p.Glu53Lys). This variant is present in population databases (rs767793054, gnomAD 0.02%). This variant has not been reported in the literature in individuals affected with ANKZF1-related conditions. Algorithms developed to predict the effect of missense changes on protein structure and function output the following: SIFT: "Not Available"; PolyPhen-2: "Benign"; Align-GVGD: "Not Available". The lysine amino acid residue is found in multiple mammalian species, which suggests that this missense change does not adversely affect protein function. In summary, the available evidence is currently insufficient to determine the role of this variant in disease. Therefore, it has been classified as a Variant of Uncertain Significance.